The following is an entry in ClinVar:

NM_014363.6(SACS):c.11506_11521del (p.His3836fs)

Gene: SACS (sacsin molecular chaperone; minus strand). Cytogenetic location: 13q12.12.
Variant type: Deletion.
Coding change: c.11506_11521del on transcript NM_014363.6 (MANE Select); coding-DNA positions 11506 to 11521, 16 bases deleted (CACCAGTTGTTCAAAC).
Protein change: p.His3836fs; shifts the reading frame from histidine 3836.
Molecular consequence: frameshift variant.
Genome position (GRCh38, 1-based): chr13:23,332,355-23,332,370, GTTTGAACAACTGGTG deleted on the plus strand (CACCAGTTGTTCAAAC on the coding strand, the reverse complement: SACS is on the minus strand). VCF-style (leftmost placement, unchanged base first): chr13-23332354-TGTTTGAACAACTGGTG-T. GRCh37 (hg19) VCF-style: chr13-23906493-TGTTTGAACAACTGGTG-T.
Other names: c.11065_11080del, p.His3689fs (NM_001278055.2); short protein forms H3836fs, H3689fs.
Identifiers: ClinVar variation 558134 (VCV000558134.5), dbSNP rs1555249878, ClinGen allele CA658823539.

ClinVar aggregate classification (germline): Pathogenic. Review status: criteria provided, single submitter (1 of 4 stars). 2 submissions from 2 submitters: Pathogenic (1). 1 of the submissions does not count toward it. Last evaluated 2023-03-27.

Conditions:
Charlevoix-Saguenay spastic ataxia (SACS). Also called: SPASTIC ATAXIA 6, AUTOSOMAL RECESSIVE; AUTOSOMAL RECESSIVE SPASTIC ATAXIA OF CHARLEVOIX-SAGUENAY; Spastic ataxia of Charlevoix-Saguenay. Identifiers: Orphanet 98, MedGen C1849140, MONDO:0010041, OMIM 270550.
Spastic paraplegia. Identifiers: MedGen C0037772, HP:0001258.

Submissions (2):

Labcorp Genetics (formerly Invitae), Labcorp
Classification: Pathogenic for Spastic paraplegia. Last evaluated: 2023-03-27. Review status: criteria provided, single submitter. Criteria: Invitae Variant Classification Sherloc (09022015). Collection method: clinical testing. Allele origin: germline.
Comment: For these reasons, this variant has been classified as Pathogenic. This variant disrupts a region of the SACS protein in which other variant(s) (p.Asn4549Asp) have been determined to be pathogenic (PMID: 15156359, 21507954). This suggests that this is a clinically significant region of the protein, and that variants that disrupt it are likely to be disease-causing. ClinVar contains an entry for this variant (Variation ID: 558134). This variant has not been reported in the literature in individuals affected with SACS-related conditions. This variant is not present in population databases (gnomAD no frequency). This sequence change creates a premature translational stop signal (p.His3836Thrfs*2) in the SACS gene. While this is not anticipated to result in nonsense mediated decay, it is expected to disrupt the last 744 amino acid(s) of the SACS protein.

Counsyl
Classification: Likely pathogenic for Charlevoix-Saguenay spastic ataxia. Last evaluated: 2018-05-02. Review status: no assertion criteria provided. Collection method: clinical testing. Allele origin: unknown. Not counted in ClinVar's aggregate classification.

Literature cited by the submitters: PubMed 15156359 (cited by Labcorp Genetics (formerly Invitae), Labcorp); PubMed 21507954 (cited by Labcorp Genetics (formerly Invitae), Labcorp).